The following is an entry in ClinVar:

ClinVar aggregate classification (germline): Uncertain significance (1 of 4 stars; one submission).

Conditions:
Alstrom syndrome (ALMS). Identifiers: Orphanet 64, MedGen C0268425, MONDO:0008763, OMIM 203800.

Submission:

Labcorp Genetics (formerly Invitae), Labcorp
Classification: Uncertain significance for Alstrom syndrome. Last evaluated: 2023-07-10. Review status: criteria provided, single submitter. Criteria: Invitae Variant Classification Sherloc (09022015). Collection method: clinical testing. Allele origin: germline.
Comment: This sequence change replaces alanine, which is neutral and non-polar, with proline, which is neutral and non-polar, at codon 1736 of the ALMS1 protein (p.Ala1736Pro). This variant is not present in population databases (gnomAD no frequency). This variant has not been reported in the literature in individuals affected with ALMS1-related conditions. ClinVar contains an entry for this variant (Variation ID: 1716582). Experimental studies and prediction algorithms are not available or were not evaluated, and the functional significance of this variant is currently unknown. In summary, the available evidence is currently insufficient to determine the role of this variant in disease. Therefore, it has been classified as a Variant of Uncertain Significance.

NM_001378454.1(ALMS1):c.5203G>C (p.Ala1735Pro)

Gene: ALMS1 (ALMS1 centrosome and basal body associated protein; plus strand). Cytogenetic location: 2p13.1.
Variant type: single nucleotide variant.
Coding change: c.5203G>C on transcript NM_001378454.1 (MANE Select); coding-DNA position 5203, G replaced by C.
Protein change: p.Ala1735Pro; replaces alanine 1735 with proline.
Molecular consequence: missense variant.
Genome position (GRCh38, 1-based): chr2:73,451,730, G>C. VCF-style: chr2-73451730-G-C. GRCh37 (hg19) VCF-style: chr2-73678857-G-C.
Other names: c.5206G>C, p.Ala1736Pro (NM_015120.4); short protein forms A1735P, A1736P.
Identifiers: ClinVar variation 1716582 (VCV001716582.5), dbSNP rs779603297, ClinGen allele CA347280372.